The following is an entry in ClinVar:

ClinVar aggregate classification (germline): Uncertain significance. Review status: criteria provided, multiple submitters, no conflicts (2 of 4 stars). 2 submissions from 2 submitters: Uncertain significance (2). Last evaluated 2024-02-16.

Conditions:
Fanconi anemia complementation group O. Also called: RAD51C-Related Fanconi Anemia. Identifiers: Orphanet 84, MedGen C3150653, MONDO:0013248, OMIM 613390.
Breast-ovarian cancer, familial, susceptibility to, 3. Also called: RAD51C-Related Breast/Ovarian Cancer. Identifiers: Orphanet 145, MedGen C3150659, MONDO:0013253, OMIM 613399.

Submissions (2):

Fulgent Genetics
Classification: Uncertain significance for Fanconi anemia complementation group O; Breast-ovarian cancer, familial, susceptibility to, 3. Last evaluated: 2024-02-16. Review status: criteria provided, single submitter. Criteria: ACMG Guidelines, 2015. Collection method: clinical testing. Allele origin: germline.

Labcorp Genetics (formerly Invitae), Labcorp
Classification: Uncertain significance for Fanconi anemia complementation group O. Last evaluated: 2019-12-03. Review status: criteria provided, single submitter. Criteria: Invitae Variant Classification Sherloc (09022015). Collection method: clinical testing. Allele origin: germline.
Comment: In summary, the available evidence is currently insufficient to determine the role of this variant in disease. Therefore, it has been classified as a Variant of Uncertain Significance. Nucleotide substitutions within the consensus splice site are a relatively common cause of aberrant splicing (PMID: 17576681, 9536098). Algorithms developed to predict the effect of sequence changes on RNA splicing suggest that this variant may disrupt the consensus splice site, but this prediction has not been confirmed by published transcriptional studies. Algorithms developed to predict the effect of missense changes on protein structure and function are either unavailable or do not agree on the potential impact of this missense change (SIFT: "Tolerated"; PolyPhen-2: "Possibly Damaging"; Align-GVGD: "Class C0"). This variant has not been reported in the literature in individuals with RAD51C-related conditions. This variant is not present in population databases (ExAC no frequency). This sequence change replaces arginine with lysine at codon 322 of the RAD51C protein (p.Arg322Lys). The arginine residue is highly conserved and there is a small physicochemical difference between arginine and lysine. This variant also falls at the last nucleotide of exon 7 of the RAD51C coding sequence, which is part of the consensus splice site for this exon.

Literature cited by the submitters: PubMed 17576681 (cited by Labcorp Genetics (formerly Invitae), Labcorp); PubMed 9536098 (cited by Labcorp Genetics (formerly Invitae), Labcorp).

NM_058216.3(RAD51C):c.965G>A (p.Arg322Lys)

Gene: RAD51C (RAD51 paralog C; plus strand). Cytogenetic location: 17q22.
Variant type: single nucleotide variant.
Coding change: c.965G>A on transcript NM_058216.3 (MANE Select); coding-DNA position 965, G replaced by A.
Protein change: p.Arg322Lys; replaces arginine 322 with lysine.
Molecular consequence: missense variant. On other transcripts: non-coding transcript variant (1).
Genome position (GRCh38, 1-based): chr17:58,724,100, G>A. VCF-style: chr17-58724100-G-A. GRCh37 (hg19) VCF-style: chr17-56801461-G-A.
Other names: short protein forms R322K.
Identifiers: ClinVar variation 651599 (VCV000651599.11), dbSNP rs1555603059, ClinGen allele CA400361627.